The following is an entry in ClinVar:

ClinVar aggregate classification (germline): Conflicting classifications of pathogenicity. Review status: criteria provided, conflicting classifications (1 of 4 stars). 2 submissions from 2 submitters: Uncertain significance (1); Likely benign (1). Last evaluated 2025-04-14.

Allele frequency attached by ClinVar (database versions not stated): ExAC 0.00004; gnomAD 0.00009; TOPMed 0.00010.
gnomAD v4.1: 71 of 1,208,619 alleles (0.0059%); highest among the groups gnomAD compares: Admixed American, 0.011%; no homozygotes.

Submissions (2):

Ambry Genetics
Classification: Uncertain significance. Last evaluated: 2025-04-14. Review status: criteria provided, single submitter. Criteria: Ambry Variant Classification Scheme 2023. Collection method: clinical testing. Allele origin: germline.

CeGaT Center for Human Genetics Tuebingen
Classification: Likely benign. Last evaluated: 2023-02-01. Review status: criteria provided, single submitter. Criteria: CeGaT Center For Human Genetics Tuebingen Variant Classification Criteria Version 2. Collection method: clinical testing. Allele origin: germline. Affected: yes. Observed: 1 variant allele.
Comment: CDX4: BS2

NM_005193.2(CDX4):c.118C>A (p.Pro40Thr)

Gene: CDX4 (caudal type homeobox 4; plus strand). Cytogenetic location: Xq13.2.
Variant type: single nucleotide variant.
Coding change: c.118C>A on transcript NM_005193.2 (MANE Select); coding-DNA position 118, C replaced by A.
Protein change: p.Pro40Thr; replaces proline 40 with threonine.
Molecular consequence: missense variant.
Genome position (GRCh38, 1-based): chrX:73,447,371, C>A. VCF-style: chrX-73447371-C-A. GRCh37 (hg19) VCF-style: chrX-72667207-C-A.
Other names: short protein forms P40T.
Identifiers: ClinVar variation 2464621 (VCV002464621.26), dbSNP rs774580628, ClinGen allele CA10451450.